The following is an entry in ClinVar:

NM_152564.5(VPS13B):c.10878T>C (p.Val3626=)

Gene: VPS13B (vacuolar protein sorting 13 homolog B; plus strand). Cytogenetic location: 8q22.2.
Variant type: single nucleotide variant.
Coding change: c.10878T>C on transcript NM_152564.5 (MANE Select); coding-DNA position 10878, T replaced by C.
Protein change: p.Val3626=; no amino-acid change (valine 3626 retained).
Molecular consequence: synonymous variant.
Genome position (GRCh38, 1-based): chr8:99,859,314, T>C. VCF-style: chr8-99859314-T-C. GRCh37 (hg19) VCF-style: chr8-100871542-T-C.
Other names: c.10953T>C, p.Val3651= (NM_017890.5); c.10878T>C (NM_152564.4).
Identifiers: ClinVar variation 1123556 (VCV001123556.12), dbSNP rs1334951450, ClinGen allele CA462336766.
Genomic context (GRCh38, chr8:99,859,314, plus strand): 5'-AAGTTCTGCATTTGAGGTTTCAATCACCCCTTCCCTCTTGTGCGTTGCAGGCTGGGTAGT[T>C]GGGTCTCTGGATATTCTTGGCAGCCCTGCAAGCCTGGTGAGAAGCATCGGGAACGGGGTC-3'
Protein context (NP_689777.3, residues 3616-3636): AGALFRAGWV[Val3626=]GSLDILGSPA

ClinVar aggregate classification (germline): Likely benign. Review status: criteria provided, multiple submitters, no conflicts (2 of 4 stars). 3 submissions from 3 submitters: Likely benign (2). 1 of the submissions does not count toward it. Last evaluated 2026-01-16.

Conditions:
VPS13B-related disorder. Also called: VPS13B-related condition.
Cohen syndrome (COH1). Also called: PEPPER SYNDROME; Cutis verticis gyrata, retinitis pigmentosa, and sensorineural deafness. Identifiers: Orphanet 193, MedGen C0265223, MONDO:0008999, OMIM 216550.

Allele frequency attached by ClinVar (database versions not stated): gnomAD exomes below 0.00001 and 0.00002.
gnomAD v4.1: 28 of 1,613,676 alleles (0.0017%); highest among the groups gnomAD compares: Middle Eastern, 0.035%; no homozygotes.

Submissions (3):

Labcorp Genetics (formerly Invitae), Labcorp
Classification: Likely benign for Cohen syndrome. Last evaluated: 2026-01-16. Review status: criteria provided, single submitter. Criteria: Invitae Variant Classification Sherloc (09022015). Collection method: clinical testing. Allele origin: germline.

Blueprint Genetics
Classification: Likely benign. Last evaluated: 2021-10-18. Review status: criteria provided, single submitter. Criteria: ACMG Guidelines, 2015. Collection method: clinical testing. Allele origin: germline.

PreventionGenetics, part of Exact Sciences
Classification: Likely benign for VPS13B-related condition. Last evaluated: 2022-12-27. Review status: no assertion criteria provided. Collection method: clinical testing. Allele origin: germline. Not counted in ClinVar's aggregate classification.
Comment: This variant is classified as likely benign based on ACMG/AMP sequence variant interpretation guidelines (Richards et al. 2015 PMID: 25741868, with internal and published modifications).